The following is an entry in ClinVar:

NM_006767.4(LZTR1):c.1396C>T (p.Arg466Trp)

Gene: LZTR1 (leucine zipper like post translational regulator 1; plus strand). Cytogenetic location: 22q11.21.
Variant type: single nucleotide variant.
Coding change: c.1396C>T on transcript NM_006767.4 (MANE Select); coding-DNA position 1396, C replaced by T.
Protein change: p.Arg466Trp; replaces arginine 466 with tryptophan.
Molecular consequence: missense variant.
Genome position (GRCh38, 1-based): chr22:20,993,966, C>T. VCF-style: chr22-20993966-C-T. GRCh37 (hg19) VCF-style: chr22-21348255-C-T.
Other names: p.Arg466Trp; short protein forms R466W.
Identifiers: ClinVar variation 280342 (VCV000280342.46), dbSNP rs550922200, ClinGen allele CA10118872.

ClinVar aggregate classification (germline): Conflicting classifications of pathogenicity. Review status: criteria provided, conflicting classifications (1 of 4 stars). 14 submissions from 14 submitters: Pathogenic (3); Likely pathogenic (5); Uncertain significance (6). Last evaluated 2026-01-31.

Conditions:
Cardiovascular phenotype. Identifiers: MedGen CN230736.
Hereditary cancer-predisposing syndrome. Also called: Tumor predisposition; Hereditary Cancer Syndrome; Neoplastic Syndromes, Hereditary; Hereditary neoplastic syndrome. Identifiers: Orphanet 140162, MedGen C0027672, MeSH D009386, MONDO:0015356.
Noonan syndrome 10 (NS10). Identifiers: Orphanet 648, MedGen C4225280, MONDO:0014693, OMIM 616564.
LZTR1-related schwannomatosis. Also called: Schwannomatosis 2; Schwannomatosis-2, susceptibility to. Identifiers: Orphanet 93921, MedGen C3810283, MONDO:0014299, OMIM 615670.
Noonan syndrome 2 (NS2). Identifiers: Orphanet 648, MedGen C1854469, MONDO:0011531, OMIM 605275.
LZTR1-related disorder. Also called: LZTR1-related disorders; LZTR1-related condition.

Allele frequency attached by ClinVar (database versions not stated): TOPMed 0.00004; gnomAD exomes 0.00006; ExAC 0.00008; 1000 Genomes Project 30x 0.00016; 1000 Genomes Project 0.00020.
gnomAD v4.1: 98 of 1,612,758 alleles (0.0061%); highest among the groups gnomAD compares: South Asian, 0.0088%; no homozygotes.

Submissions 1 to 7 of 14:

Labcorp Genetics (formerly Invitae), Labcorp
Classification: Pathogenic. Last evaluated: 2026-01-31. Review status: criteria provided, single submitter. Criteria: Invitae Variant Classification Sherloc (09022015). Collection method: clinical testing. Allele origin: germline.
Comment: This sequence change replaces arginine, which is basic and polar, with tryptophan, which is neutral and slightly polar, at codon 466 of the LZTR1 protein (p.Arg466Trp). This variant is present in population databases (rs550922200, gnomAD 0.01%). This missense change has been observed in individuals with clinical features of schwannomatosis (PMID: 29384852, 29409008, 30442762; internal data). ClinVar contains an entry for this variant (Variation ID: 280342). Invitae Evidence Modeling of protein sequence and biophysical properties (such as structural, functional, and spatial information, amino acid conservation, physicochemical variation, residue mobility, and thermodynamic stability) indicates that this missense variant is not expected to disrupt LZTR1 protein function with a negative predictive value of 80%. This variant disrupts the p.Arg466 amino acid residue in LZTR1. Other variant(s) that disrupt this residue have been determined to be pathogenic (PMID: 24362817, 30442762, 31130284, 31219622; internal data). This suggests that this residue is clinically significant, and that variants that disrupt this residue are likely to be disease-causing. For these reasons, this variant has been classified as Pathogenic.

GeneDx
Classification: Uncertain significance. Last evaluated: 2025-07-28. Review status: criteria provided, single submitter. Criteria: GeneDx Variant Classification Process June 2021. Collection method: clinical testing. Allele origin: germline. Affected: yes.
Comment: Observed in individuals with schwannomatosis referred for genetic testing at GeneDx, External communication with Ambry Genetics, and in published literature (PMID: 29384852, 29409008, 30442762); In silico analysis supports that this missense variant has a deleterious effect on protein structure/function; This variant is associated with the following publications: (PMID: 39062695, 31475041, 29384852, 30442762, 29409008, 28191889, 31219622, 31130284)

PreventionGenetics, part of Exact Sciences
Classification: Likely pathogenic for LZTR1-related condition. Last evaluated: 2025-06-27. Review status: criteria provided, single submitter. Criteria: ACMG Guidelines, 2015. Collection method: clinical testing. Allele origin: germline.
Comment: The LZTR1 c.1396C>T variant is predicted to result in the amino acid substitution p.Arg466Trp. This variant has been reported in a compound heterozygous state in an individual with Noonan syndrome (Li et al. 2019. PubMed ID: PMID: 31219622), in the heterozygous state in individuals with schwannomatosis (Jordan et al. 2018. PubMed ID: 29384852; Table S5, Louvrier et al. 2018. PubMed ID: 29409008; Mastromoro et al. 2024. PubMed ID: 39140257), in a fetus with increased nuchal translucency (Supplementary Table S3, Case 18C0096, Choy et al. 2019. PubMed ID: 31475041), and in an individual with autism (Table S11, Stessman et al. 2017. PubMed ID: 28191889). Functional studies show that variants in the Arg466 nucleotide disrupt signaling and impair subcellular localization (Bigenzahn et al. 2018. PubMed ID: 30442766; Steklov et al. 2018. PubMed ID: 30442762; Busley et al. 2024. PubMed ID: 39003740). This variant is reported in 0.011% of alleles in individuals of East Asian descent in gnomAD and has conflicting classifications in ClinVar ranging from uncertain to pathogenic (ClinVar ID: 280342). An alternate variant at this codon (p.Arg466Gln) has been reported in association with similar phenotypes and is consistently classified as likely pathogenic or pathogenic in ClinVar (ClinVar ID: 101038). The c.1396C>T variant is interpreted as likely pathogenic for schwannomatosis and autosomal recessive Noonan syndrome.

Women's Health and Genetics/Laboratory Corporation of America, LabCorp
Classification: Pathogenic for Noonan syndrome 2. Last evaluated: 2025-01-23. Review status: criteria provided, single submitter. Criteria: LabCorp Variant Classification Summary - May 2015. Collection method: clinical testing. Allele origin: germline.
Comment: Variant summary: LZTR1 c.1396C>T (p.Arg466Trp) results in a non-conservative amino acid change located in the BTB/POZ domain of the encoded protein sequence. Four of four in-silico tools predict a damaging effect of the variant on protein function. At-least one other variant at the same codon (c.1397G>A, p.Arg466Gln) has been classified as Likely Pathogenic for Schwannomatosis at our laboratory supporting a possible relevance of this residue to LZTR1 protein function. The variant allele was found at a frequency of 6.1e-05 in 1612758 control chromosomes. The observed variant frequency is approximately 12 fold of the estimated maximal expected allele frequency for a pathogenic variant in LZTR1 causing AD-Noonan Syndrome And Related Conditions phenotype (5e-06) although the frequency is lower than the estimated maximal expected allele frequency for a pathogenic variant in LZTR1 causing AR-Noonan Syndrome 2 (6.1e-05 vs 0.0032). c.1396C>T has been reported in the literature in multiple individuals affected with Schwannomatosis with at-least one report of inheritance from an unaffected mother (example, Jordan_2018, Louvrier_2018, Steklov_2018, internal testing). Additionally, this variant has been reported in the literature as a compound heterozygous genotype in trans with a different VUS in at-least one individual with features of Noonan Syndrome whose obligate carrier parents were unaffected (Li_2019) and as a maternally inherited non-informative genotype in at-least one fetus within a cohort with increased Nuchal Traslucency (NT) (Choy_2019). As LZTR1-related schwannomatosis are inherited in an autosomal dominant manner with reduced penetrance, the possibility of this variant also contributing to AR-Noonan Syndrome 2 cannot be entirely excluded. To our knowledge, no experimental evidence demonstrating an impact on protein function has been reported. The following publications have been ascertained in the context of this evaluation (PMID: 31475041, 29384852, 31219622, 29409008, 30442762, 28191889). ClinVar contains an entry for this variant (Variation ID: 280342). Based on the evidence outlined above, the variant was classified as pathogenic for AD-Schwannomatosis and AR-Noonan Syndrome 2.

St. Jude Molecular Pathology, St. Jude Children's Research Hospital
Classification: Likely pathogenic for Noonan syndrome 10. Last evaluated: 2024-12-16. Review status: criteria provided, single submitter. Criteria: St. Jude Assertion Criteria 2020. Collection method: clinical testing. Allele origin: germline.
Comment: The LZTR1 c.1396C>T (p.Arg466Trp) missense change has a maximum subpopulation frequency of 0.01% in gnomAD v2.1.1. The in silico tool REVEL predicts a deleterious effect on protein function, but to our knowledge this prediction has not been confirmed by functional studies. This variant has been reported in individuals with schwannomatosis (PMID: 29384852, 29409008, 30442762). Additionally, another missense variant at the same amino acid residue, p.Arg466Gln, has been reported in individuals with schwannomatosis and Noonan syndrome (PMID: 24362817, 30442762, 31219622) and is reported to be likely pathogenic. In summary, this variant meets criteria to be classified as likely pathogenic.

Blueprint Genetics
Classification: Uncertain significance. Last evaluated: 2024-09-14. Review status: criteria provided, single submitter. Criteria: ACMG Guidelines, 2015. Collection method: clinical testing. Allele origin: germline.

CeGaT Center for Human Genetics Tuebingen
Classification: Uncertain significance. Last evaluated: 2024-09-01. Review status: criteria provided, single submitter. Criteria: CeGaT Center For Human Genetics Tuebingen Variant Classification Criteria Version 2. Collection method: clinical testing. Allele origin: germline. Affected: yes. Observed: 1 variant allele.
Comment: LZTR1: PM5, PS4:Supporting